The following is an entry in ClinVar:

ClinVar aggregate classification (germline): Conflicting classifications of pathogenicity. Review status: criteria provided, conflicting classifications (1 of 4 stars). 3 submissions from 3 submitters: Uncertain significance (2); Likely benign (1). Last evaluated 2026-01-26.

Conditions:
Hereditary cancer-predisposing syndrome. Also called: Neoplastic Syndromes, Hereditary; Hereditary neoplastic syndrome; Tumor predisposition; Hereditary Cancer Syndrome. Identifiers: Orphanet 140162, MedGen C0027672, MeSH D009386, MONDO:0015356.
Multiple endocrine neoplasia type 4. Also called: MULTIPLE ENDOCRINE NEOPLASIA, TYPE IV. Identifiers: Orphanet 276152, MedGen C1970712, MONDO:0012552, OMIM 610755.

Allele frequency attached by ClinVar (database versions not stated): TOPMed below 0.00001; gnomAD exomes 0.00001; ExAC 0.00002.
gnomAD v4.1: 11 of 1,614,242 alleles (0.00068%); highest among the groups gnomAD compares: Admixed American, 0.0033%; no homozygotes.

Submissions (3):

Labcorp Genetics (formerly Invitae), Labcorp
Classification: Uncertain significance for Multiple endocrine neoplasia type 4. Last evaluated: 2026-01-26. Review status: criteria provided, single submitter. Criteria: Invitae Variant Classification Sherloc (09022015). Collection method: clinical testing. Allele origin: germline.
Comment: This sequence change replaces glutamic acid, which is acidic and polar, with lysine, which is basic and polar, at codon 40 of the CDKN1B protein (p.Glu40Lys). This variant is present in population databases (rs765527234, gnomAD 0.006%). This variant has not been reported in the literature in individuals affected with CDKN1B-related conditions. ClinVar contains an entry for this variant (Variation ID: 1691538). An algorithm developed to predict the effect of missense changes on protein structure and function (PolyPhen-2) suggests that this variant is likely to be disruptive. Experimental studies have shown that this missense change affects CDKN1B function (PMID: 28425505). In summary, the available evidence is currently insufficient to determine the role of this variant in disease. Therefore, it has been classified as a Variant of Uncertain Significance.

St. Jude Molecular Pathology, St. Jude Children's Research Hospital
Classification: Uncertain significance for Multiple endocrine neoplasia type 4. Last evaluated: 2022-05-16. Review status: criteria provided, single submitter. Criteria: St. Jude Assertion Criteria 2020. Collection method: clinical testing. Allele origin: germline.
Comment: The CDKN1B c.118G>A (p.Glu40Lys) missense change has a maximum subpopulation frequency of 0.0058% in gnomAD v2.1.1. In silico tools predict a deleterious effect of this variant on protein function (PP3), but to our knowledge these predictions have not been confirmed by functional assays. To our knowledge, this variant has not been reported in the literature in individuals with multiple endocrine neoplasia type 4. In summary, this variant meets criteria to be classified as of uncertain significance based on the ACMG/AMP criteria: PP3.

Ambry Genetics
Classification: Likely benign for Hereditary cancer-predisposing syndrome. Last evaluated: 2022-04-27. Review status: criteria provided, single submitter. Criteria: Ambry Variant Classification Scheme 2023. Collection method: clinical testing. Allele origin: germline.

Literature cited by the submitters: PubMed 28425505 (cited by Labcorp Genetics (formerly Invitae), Labcorp).

NM_004064.5(CDKN1B):c.118G>A (p.Glu40Lys)

Gene: CDKN1B (cyclin dependent kinase inhibitor 1B; plus strand). Cytogenetic location: 12p13.1.
Variant type: single nucleotide variant.
Coding change: c.118G>A on transcript NM_004064.5 (MANE Select); coding-DNA position 118, G replaced by A.
Protein change: p.Glu40Lys; replaces glutamic acid 40 with lysine.
Molecular consequence: missense variant.
Genome position (GRCh38, 1-based): chr12:12,717,957, G>A. VCF-style: chr12-12717957-G-A. GRCh37 (hg19) VCF-style: chr12-12870891-G-A.
Other names: short protein forms E40K.
Identifiers: ClinVar variation 1691538 (VCV001691538.8), dbSNP rs765527234, ClinGen allele CA6457382.